The following is an entry in ClinVar:

NM_001430.5(EPAS1):c.2519C>G (p.Thr840Ser)

Gene: EPAS1 (endothelial PAS domain protein 1; plus strand). Cytogenetic location: 2p21.
Variant type: single nucleotide variant.
Coding change: c.2519C>G on transcript NM_001430.5 (MANE Select); coding-DNA position 2519, C replaced by G.
Protein change: p.Thr840Ser; replaces threonine 840 with serine.
Molecular consequence: missense variant.
Genome position (GRCh38, 1-based): chr2:46,384,566, C>G. VCF-style: chr2-46384566-C-G. GRCh37 (hg19) VCF-style: chr2-46611705-C-G.
Other names: short protein forms T840S.
Identifiers: ClinVar variation 1792493 (VCV001792493.2), dbSNP rs2546483668, ClinGen allele CA346707041.

ClinVar aggregate classification (germline): Uncertain significance (1 of 4 stars; one submission).

Conditions:
Inborn genetic diseases. Identifiers: MedGen C0950123, MeSH D030342.

Submission:

Ambry Genetics
Classification: Uncertain significance for Inborn genetic diseases. Last evaluated: 2021-08-24. Review status: criteria provided, single submitter. Criteria: Ambry Variant Classification Scheme 2023. Collection method: clinical testing. Allele origin: germline.
Comment: The p.T840S variant (also known as c.2519C>G), located in coding exon 16 of the EPAS1 gene, results from a C to G substitution at nucleotide position 2519. The threonine at codon 840 is replaced by serine, an amino acid with similar properties. This amino acid position is conserved. In addition, the in silico prediction for this alteration is inconclusive. Since supporting evidence is limited at this time, the clinical significance of this alteration remains unclear.